The following is an entry in ClinVar:

NC_000001.11:g.(?_100196235)_(100196442_?)del

Gene: DBT (dihydrolipoamide branched chain transacylase E2; minus strand). Cytogenetic location: 1p21.2.
Variant type: Deletion.
Identifiers: ClinVar variation 457141 (VCV000457141.1).

ClinVar aggregate classification (germline): Pathogenic (1 of 4 stars; one submission).

Conditions:
Maple syrup urine disease (MSUD). Identifiers: Orphanet 511, MedGen C0024776, MeSH D008375, MONDO:0009563. Disease mechanism: loss of function.

Submission:

Labcorp Genetics (formerly Invitae), Labcorp
Classification: Pathogenic for Maple syrup urine disease. Last evaluated: 2017-06-29. Review status: criteria provided, single submitter. Criteria: Invitae Variant Classification Sherloc (09022015). Collection method: clinical testing. Allele origin: germline.
Comment: This variant is a gross deletion of the genomic region encompassing exon 11 of the DBT gene. The 5' boundary is likely confined to intron 10. The 3' end of this event is unknown as it extends through the termination codon beyond the assayed region for this gene and may encompass additional genes. While this deletion is not anticipated to result in nonsense mediated decay, it is expected to create a truncated protein product or disrupt mRNA translation. Loss-of-function variants in DBT are known to be pathogenic (PMID: 16579849, 16786533). An exon 11 deletion has been reported in the literature in a study of copy number variation events, however, no clinical information was available (PMID: 22090376). A different truncation variant within exon 11 p.Asn455* has been reported as homozygous in an individual affected with classic MSUD and determined as pathogenic (PMID: 23313820, Invitae). This suggests that sequence integrity of exon 11 is critical for DBT protein function and that other changes at this position may also be pathogenic. For these reasons, this variant has been classified as Pathogenic.